The following is an entry in ClinVar:

NM_001110556.2(FLNA):c.1196del (p.Asn399fs)

Gene: FLNA (filamin A; minus strand). Cytogenetic location: Xq28.
Variant type: Deletion.
Coding change: c.1196del on transcript NM_001110556.2 (MANE Select); coding-DNA position 1196, one base deleted (A; older notation c.1196delA).
Protein change: p.Asn399fs; shifts the reading frame from asparagine 399.
Molecular consequence: frameshift variant.
Genome position (GRCh38, 1-based): chrX:154,366,340, T deleted on the plus strand (A on the coding strand, the reverse complement: FLNA is on the minus strand); the first of 2 consecutive T bases (chrX:154,366,340-154,366,341); deleting either gives the same sequence. VCF-style (leftmost placement, unchanged base first): chrX-154366339-GT-G. GRCh37 (hg19) VCF-style: chrX-153594707-GT-G.
Other names: c.1196del, p.Asn399fs (NM_001456.4); short protein forms N399fs.
Identifiers: ClinVar variation 4786497 (VCV004786497.1).

ClinVar aggregate classification (germline): Pathogenic (1 of 4 stars; one submission).

Conditions:
Heterotopia, periventricular, X-linked dominant (PVNH1). Also called: PERIVENTRICULAR NODULAR HETEROTOPIA 4; HETEROTOPIA, PERIVENTRICULAR, 1; PERIVENTRICULAR NODULAR HETEROTOPIA 1; X-linked periventricular heterotopia. Identifiers: Orphanet 2149, Orphanet 82004, MedGen C1848213, MONDO:0010233, OMIM 300049.
Oto-palato-digital syndrome, type II (OPD2). Also called: Otopalatodigital Syndrome, Type II; FACIOPALATOOSSEOUS SYNDROME; OPD II SYNDROME; Otopalatodigital Syndrome Type 2 (FLNA-OPD2). Identifiers: Orphanet 669, Orphanet 90652, MedGen C1844696, MONDO:0010571, OMIM 304120.
Melnick-Needles syndrome (MNS). Also called: MELNICK-NEEDLES OSTEODYSPLASTY; OSTEODYSPLASTY OF MELNICK AND NEEDLES; Melnick-Needles Syndrome (FLNA-MNS). Identifiers: Orphanet 2484, MedGen C0025237, MONDO:0010650, OMIM 309350.
Frontometaphyseal dysplasia (FMD1). Identifiers: Orphanet 1826, MedGen C0265293, MONDO:0015942.

Submission:

Labcorp Genetics (formerly Invitae), Labcorp
Classification: Pathogenic for Oto-palato-digital syndrome, type II; Heterotopia, periventricular, X-linked dominant; Frontometaphyseal dysplasia; Melnick-Needles syndrome. Last evaluated: 2025-12-09. Review status: criteria provided, single submitter. Criteria: Invitae Variant Classification Sherloc (09022015). Collection method: clinical testing. Allele origin: germline.
Comment: This sequence change creates a premature translational stop signal (p.Asn399Thrfs*21) in the FLNA gene. It is expected to result in an absent or disrupted protein product. Loss-of-function variants in FLNA are known to be pathogenic (PMID: 16684786, 20730588, 26471271). This variant is not present in population databases (gnomAD no frequency). This variant has not been reported in the literature in individuals affected with FLNA-related conditions. For these reasons, this variant has been classified as Pathogenic.

Literature cited by the submitters: PubMed 16684786; PubMed 20730588; PubMed 26471271.